The following is an entry in ClinVar:

NM_030665.4(RAI1):c.2241A>C (p.Pro747=)

Gene: RAI1 (retinoic acid induced 1; plus strand). Cytogenetic location: 17p11.2.
Variant type: single nucleotide variant.
Coding change: c.2241A>C on transcript NM_030665.4 (MANE Select); coding-DNA position 2241, A replaced by C.
Protein change: p.Pro747=; no amino-acid change (proline 747 retained).
Molecular consequence: synonymous variant.
Genome position (GRCh38, 1-based): chr17:17,795,189, A>C. VCF-style: chr17-17795189-A-C. GRCh37 (hg19) VCF-style: chr17-17698503-A-C.
Identifiers: ClinVar variation 5002428 (VCV005002428.1).

ClinVar aggregate classification (germline): Likely benign (1 of 4 stars; one submission).

Conditions:
RAI1-related disorder. Also called: RAI1-related condition.

Submission:

PreventionGenetics, part of Exact Sciences
Classification: Likely benign for RAI1-related condition. Last evaluated: 2025-07-17. Review status: criteria provided, single submitter. Criteria: ACMG Guidelines, 2015. Collection method: clinical testing. Allele origin: germline.
Comment: This variant is classified as likely benign based on ACMG/AMP sequence variant interpretation guidelines (Richards et al. 2015 PMID: 25741868, with internal and published modifications).